The following is an entry in ClinVar:

NM_000038.6(APC):c.584A>T (p.Gln195Leu)

Gene: APC (APC regulator of Wnt signaling pathway; plus strand). Cytogenetic location: 5q22.2.
Variant type: single nucleotide variant.
Coding change: c.584A>T on transcript NM_000038.6 (MANE Select); coding-DNA position 584, A replaced by T.
Protein change: p.Gln195Leu; replaces glutamine 195 with leucine.
Molecular consequence: missense variant. On other transcripts: 5 prime UTR variant (1).
Genome position (GRCh38, 1-based): chr5:112,780,842, A>T. VCF-style: chr5-112780842-A-T. GRCh37 (hg19) VCF-style: chr5-112116539-A-T.
Other names: c.584A>T, p.Gln195Leu (NM_001127510.3, NM_001354895.2, NM_001354896.2 and 2 more transcripts); c.614A>T, p.Gln205Leu (NM_001127511.3, NM_001354897.2, NM_001354902.2); c.509A>T, p.Gln170Leu (NM_001354898.2, NM_001354904.2); c.407A>T, p.Gln136Leu (NM_001354900.2, NM_001354901.2, NM_001354905.2); c.-452A>T (NM_001354906.2); c.584A>T (NM_000038.5); short protein forms Q136L, Q170L, Q205L, Q195L.
Identifiers: ClinVar variation 1415458 (VCV001415458.10), dbSNP rs755187604, ClinGen allele CA043223.
Genomic context (GRCh38, chr5:112,780,842, plus strand): 5'-GGTTTTAGTTTTCCTTACAAACAGATATGACCAGAAGGCAATTGGAATATGAAGCAAGGC[A>T]AATCAGAGTTGCGATGGAAGAACAACTAGGTACCTGCCAGGATATGGAAAAACGAGCACA-3'
Protein context (NP_000029.2, residues 185-205): TRRQLEYEAR[Gln195Leu]IRVAMEEQLG

ClinVar aggregate classification (germline): Uncertain significance. Review status: criteria provided, multiple submitters, no conflicts (2 of 4 stars). 3 submissions from 3 submitters: Uncertain significance (3). Last evaluated 2026-02-25.

Conditions:
Familial adenomatous polyposis 1 (FAP1). Also called: POLYPOSIS, ADENOMATOUS INTESTINAL; FAMILIAL ADENOMATOUS POLYPOSIS 1, ATTENUATED. Identifiers: MedGen C2713442, MONDO:0021056, OMIM 175100. Disease mechanism: loss of function.

Allele frequency attached by ClinVar (database versions not stated): gnomAD exomes below 0.00001; ExAC 0.00001.
gnomAD v4.1: 1 of 1,613,640 alleles (0.000062%); highest among the groups gnomAD compares: South Asian, 0.0011%; no homozygotes.

Submissions (3):

GeneDx
Classification: Uncertain significance. Last evaluated: 2026-02-25. Review status: criteria provided, single submitter. Criteria: GeneDx Variant Classification Process June 2021. Collection method: clinical testing. Allele origin: germline.
Comment: Not observed at significant frequency in large population cohorts (gnomAD); In silico analysis supports that this missense variant has a deleterious effect on protein structure/function; Has not been previously published as pathogenic or benign to our knowledge

Quest Diagnostics Nichols Institute San Juan Capistrano
Classification: Uncertain significance. Last evaluated: 2023-12-05. Review status: criteria provided, single submitter. Criteria: Quest Diagnostics criteria. Collection method: clinical testing. Allele origin: unknown.
Comment: The APC c.584A>T (p.Gln195Leu) variant has not been reported in individuals with APC-related conditions in the published literature. The frequency of this variant in the general population, 0.000004 (1/250934 chromosomes (Genome Aggregation Database)), is uninformative in the assessment of its pathogenicity. Analysis of this variant using bioinformatics tools for the prediction of the effect of amino acid changes on protein structure and function yielded predictions that this variant is damaging. Based on the available information, we are unable to determine the clinical significance of this variant.

Labcorp Genetics (formerly Invitae), Labcorp
Classification: Uncertain significance for Familial adenomatous polyposis 1. Last evaluated: 2021-03-21. Review status: criteria provided, single submitter. Criteria: Invitae Variant Classification Sherloc (09022015). Collection method: clinical testing. Allele origin: germline.
Comment: In summary, the available evidence is currently insufficient to determine the role of this variant in disease. Therefore, it has been classified as a Variant of Uncertain Significance. Algorithms developed to predict the effect of missense changes on protein structure and function are either unavailable or do not agree on the potential impact of this missense change (SIFT: "Deleterious"; PolyPhen-2: "Possibly Damaging"; Align-GVGD: "Class C15"). This variant has not been reported in the literature in individuals with APC-related conditions. The frequency data for this variant in the population databases is considered unreliable, as metrics indicate poor data quality at this position in the ExAC database. This sequence change replaces glutamine with leucine at codon 195 of the APC protein (p.Gln195Leu). The glutamine residue is highly conserved and there is a moderate physicochemical difference between glutamine and leucine.